The following is an entry in ClinVar:

NM_001042492.3(NF1):c.1330G>A (p.Gly444Ser)

Gene: NF1 (neurofibromin 1; plus strand). Cytogenetic location: 17q11.2.
Variant type: single nucleotide variant.
Coding change: c.1330G>A on transcript NM_001042492.3 (MANE Select); coding-DNA position 1330, G replaced by A.
Protein change: p.Gly444Ser; replaces glycine 444 with serine.
Molecular consequence: missense variant.
Genome position (GRCh38, 1-based): chr17:31,206,309, G>A. VCF-style: chr17-31206309-G-A. GRCh37 (hg19) VCF-style: chr17-29533327-G-A.
Other names: c.1330G>A, p.Gly444Ser (NM_000267.4, NM_001128147.3); short protein forms G444S.
Identifiers: ClinVar variation 2834385 (VCV002834385.4), dbSNP rs1162173842, ClinGen allele CA398999504.

ClinVar aggregate classification (germline): Uncertain significance. Review status: criteria provided, multiple submitters, no conflicts (2 of 4 stars). 2 submissions from 2 submitters: Uncertain significance (2). Last evaluated 2025-06-02.

Conditions:
Cardiovascular phenotype. Identifiers: MedGen CN230736.
Hereditary cancer-predisposing syndrome. Also called: Neoplastic Syndromes, Hereditary; Tumor predisposition; Hereditary Cancer Syndrome; Hereditary neoplastic syndrome. Identifiers: Orphanet 140162, MedGen C0027672, MeSH D009386, MONDO:0015356.
Neurofibromatosis, type 1 (NF1). Also called: VON RECKLINGHAUSEN DISEASE; NEUROFIBROMATOSIS, TYPE I, SOMATIC; Neurofibromatosis, type I; Peripheral type neurofibromatosis. Identifiers: Orphanet 636, MedGen C0027831, MONDO:0018975, OMIM 162200. Disease mechanism: loss of function.

gnomAD v4.1: 1 of 1,613,820 alleles (0.000062%); highest among the groups gnomAD compares: Non-Finnish European, 0.000085%; no homozygotes.

Submissions (2):

Ambry Genetics
Classification: Uncertain significance for Cardiovascular phenotype; Hereditary cancer-predisposing syndrome. Last evaluated: 2025-06-02. Review status: criteria provided, single submitter. Criteria: Ambry Variant Classification Scheme 2023. Collection method: clinical testing. Allele origin: germline.
Comment: The p.G444S variant (also known as c.1330G>A), located in coding exon 12 of the NF1 gene, results from a G to A substitution at nucleotide position 1330. The glycine at codon 444 is replaced by serine, an amino acid with similar properties. This amino acid position is not well conserved in available vertebrate species. In addition, this alteration is predicted to be tolerated by in silico analysis. Based on the available evidence, the clinical significance of this variant remains unclear.

Labcorp Genetics (formerly Invitae), Labcorp
Classification: Uncertain significance for Neurofibromatosis, type 1. Last evaluated: 2023-02-04. Review status: criteria provided, single submitter. Criteria: Invitae Variant Classification Sherloc (09022015). Collection method: clinical testing. Allele origin: germline.
Comment: This variant is not present in population databases (gnomAD no frequency). This sequence change replaces glycine, which is neutral and non-polar, with serine, which is neutral and polar, at codon 444 of the NF1 protein (p.Gly444Ser). This variant has not been reported in the literature in individuals affected with NF1-related conditions. Advanced modeling of protein sequence and biophysical properties (such as structural, functional, and spatial information, amino acid conservation, physicochemical variation, residue mobility, and thermodynamic stability) performed at Invitae indicates that this missense variant is not expected to disrupt NF1 protein function. In summary, the available evidence is currently insufficient to determine the role of this variant in disease. Therefore, it has been classified as a Variant of Uncertain Significance.